The following is an entry in ClinVar:

ClinVar aggregate classification (germline): Uncertain significance. Review status: criteria provided, multiple submitters, no conflicts (2 of 4 stars). 2 submissions from 2 submitters: Uncertain significance (2). Last evaluated 2024-01-31.

Conditions:
Nephronophthisis-like nephropathy 1 (NPHPL1). Identifiers: Orphanet 655, MedGen C3150419, MONDO:0013163, OMIM 613159.

Allele frequency attached by ClinVar (database versions not stated): gnomAD 0.00001; gnomAD exomes 0.00001; TOPMed 0.00001; ExAC 0.00002; ESP Exome Variant Server 0.00008.
gnomAD v4.1: 15 of 1,614,024 alleles (0.00093%); highest among the groups gnomAD compares: Middle Eastern, 0.016%; no homozygotes.

Submissions (2):

Fulgent Genetics
Classification: Uncertain significance for Nephronophthisis-like nephropathy 1. Last evaluated: 2024-01-31. Review status: criteria provided, single submitter. Criteria: ACMG Guidelines, 2015. Collection method: clinical testing. Allele origin: germline.

Labcorp Genetics (formerly Invitae), Labcorp
Classification: Uncertain significance for Nephronophthisis-like nephropathy 1. Last evaluated: 2022-06-10. Review status: criteria provided, single submitter. Criteria: Invitae Variant Classification Sherloc (09022015). Collection method: clinical testing. Allele origin: germline.
Comment: In summary, the available evidence is currently insufficient to determine the role of this variant in disease. Therefore, it has been classified as a Variant of Uncertain Significance. Variants that disrupt the consensus splice site are a relatively common cause of aberrant splicing (PMID: 17576681, 9536098). Algorithms developed to predict the effect of sequence changes on RNA splicing suggest that this variant may disrupt the consensus splice site. This variant has not been reported in the literature in individuals affected with XPNPEP3-related conditions. This variant is present in population databases (rs370308242, gnomAD 0.003%). This sequence change falls in intron 1 of the XPNPEP3 gene. It does not directly change the encoded amino acid sequence of the XPNPEP3 protein. It affects a nucleotide within the consensus splice site.

Literature cited by the submitters: PubMed 17576681 (cited by Labcorp Genetics (formerly Invitae), Labcorp); PubMed 9536098 (cited by Labcorp Genetics (formerly Invitae), Labcorp).

NM_022098.4(XPNPEP3):c.64+5G>C

Gene: XPNPEP3 (X-prolyl aminopeptidase 3; plus strand). Cytogenetic location: 22q13.2.
Variant type: single nucleotide variant.
Coding change: c.64+5G>C on transcript NM_022098.4 (MANE Select); 5 bases into the intron after coding-DNA position 64, G replaced by C.
Molecular consequence: intron variant.
Genome position (GRCh38, 1-based): chr22:40,857,250, G>C. VCF-style: chr22-40857250-G-C. GRCh37 (hg19) VCF-style: chr22-41253254-G-C.
Other names: c.64+5G>C (NM_001204827.2).
Identifiers: ClinVar variation 1990596 (VCV001990596.5), dbSNP rs370308242, ClinGen allele CA10251287.
Genomic context (GRCh38, chr22:40,857,250, plus strand): 5'-GCTGCTCTCAGCCCCCAAGCTGGTTCCCGCTGTAGCAAACGTCCGCGGCCTCTCAGGTTA[G>C]ACTCTTCTCCCACGGTCTCCTCCCATGGTGTCCCCTGGAGGGACCCAAGTTGGTCTCAGG-3'